The following is an entry in ClinVar:

ClinVar aggregate classification (germline): Uncertain significance (1 of 4 stars; one submission).

gnomAD v4.1: 1 of 1,613,624 alleles (0.000062%); highest among the groups gnomAD compares: Non-Finnish European, 0.000085%; no homozygotes.

Submission:

Dasa
Classification: Uncertain significance. Last evaluated: 2026-07-24. Review status: criteria provided, single submitter. Criteria: DASA Assertion Criteria. Collection method: clinical testing. Allele origin: germline.
Comment: NM_013436.5(NCKAP1):c.170T>C (p.Val57Ala) is a missense variant that results in the substitution of valine with alanine. This variant is rare in population databases. The currently available literature and clinical evidence are not sufficient to establish a definitive association between this variant and the reported condition. Therefore, this variant is classified as a variant of uncertain significance.

NM_013436.5(NCKAP1):c.170T>C (p.Val57Ala)

Gene: NCKAP1 (NCK associated protein 1; minus strand). Cytogenetic location: 2q32.1.
Variant type: single nucleotide variant.
Coding change: c.170T>C on transcript NM_013436.5 (MANE Select); coding-DNA position 170, T replaced by C.
Protein change: p.Val57Ala; replaces valine 57 with alanine.
Molecular consequence: missense variant.
Genome position (GRCh38, 1-based): chr2:183,023,855, A>G on the plus strand (T>C on the coding strand, the complement: NCKAP1 is on the minus strand). VCF-style: chr2-183023855-A-G. GRCh37 (hg19) VCF-style: chr2-183888583-A-G.
Other names: c.170T>C, p.Val57Ala (NM_001437266.1); c.188T>C, p.Val63Ala (NM_001437267.1, NM_205842.3); short protein forms V57A, V63A.
Identifiers: ClinVar variation 5020143 (VCV005020143.1).